The following is an entry in ClinVar:

NM_000260.4(MYO7A):c.401T>A (p.Ile134Asn)

Gene: MYO7A (myosin VIIA; plus strand). Cytogenetic location: 11q13.5.
Variant type: single nucleotide variant.
Coding change: c.401T>A on transcript NM_000260.4 (MANE Select); coding-DNA position 401, T replaced by A.
Protein change: p.Ile134Asn; replaces isoleucine 134 with asparagine.
Molecular consequence: missense variant.
Genome position (GRCh38, 1-based): chr11:77,156,022, T>A. VCF-style: chr11-77156022-T-A. GRCh37 (hg19) VCF-style: chr11-76867068-T-A.
Other names: NM_000260.4(MYO7A):c.401T>A; c.401T>A, p.Ile134Asn (NM_001127180.2); c.368T>A, p.Ile123Asn (NM_001369365.1); short protein forms I134N, I123N.
Identifiers: ClinVar variation 43230 (VCV000043230.28), dbSNP rs111033181, ClinGen allele CA278663.
Genomic context (GRCh38, chr11:77,156,022, plus strand): 5'-ACTCGCCAGAGCACATCCGCCAGTATACCAACAAGAAGATTGGGGAGATGCCCCCCCACA[T>A]CTTTGCCATTGCTGACAACTGCTACTTCAACATGAAACGCAACAGCCGAGACCAGTGCTG-3'
Protein context (NP_000251.3, residues 124-144): NKKIGEMPPH[Ile134Asn]FAIADNCYFN

ClinVar aggregate classification (germline): Pathogenic. Review status: reviewed by expert panel (3 of 4 stars). 10 submissions from 10 submitters: Pathogenic (1). 9 of the submissions do not count toward it. Last evaluated 2024-09-18.

Conditions:
MYO7A-related disorder. Also called: MYO7A-related disorders.
Usher syndrome. Also called: Usher Syndromes; Usher's syndrome. Identifiers: Orphanet 886, MedGen CN469326, MeSH D052245, MONDO:0019501. Disease mechanism: loss of function.
Autosomal recessive nonsyndromic hearing loss 2. Also called: DEAFNESS, AUTOSOMAL RECESSIVE 2; NEUROSENSORY NONSYNDROMIC RECESSIVE DEAFNESS 2. Identifiers: Orphanet 90636, MedGen C1838701, MONDO:0010807, OMIM 600060.
Usher syndrome type 1 (USH1). Also called: RETINITIS PIGMENTOSA AND CONGENITAL DEAFNESS. Identifiers: Orphanet 231169, Orphanet 886, MedGen C1568247, MONDO:0010168, OMIM 276900.
Rare genetic deafness. Identifiers: Orphanet 96210, MedGen C5680250.
Autosomal dominant nonsyndromic hearing loss 11. Identifiers: Orphanet 90635, MedGen C1832475, MONDO:0011032, OMIM 601317.
Usher syndrome type 1B (USH1B). Also called: Usher syndrome type IB. Identifiers: MedGen C1848638, MONDO:0700087.

Allele frequency attached by ClinVar (database versions not stated): TOPMed 0.00001; ExAC 0.00003; gnomAD 0.00003; gnomAD exomes 0.00003 and 0.00004.
gnomAD v4.1: 66 of 1,613,824 alleles (0.0041%); highest among the groups gnomAD compares: Non-Finnish European, 0.0051%; no homozygotes.

Submissions (10):

ClinGen Hearing Loss Variant Curation Expert Panel
Classification: Pathogenic for Usher syndrome. Last evaluated: 2024-09-18. Review status: reviewed by expert panel. Criteria: Clingen Hl Acmg Specifications Cdh23 Coch Gjb2 Kcnq4 Myo6 Myo7a Slc26a4 Tecta Ush2a V2. Collection method: curation. Allele origin: germline. Inheritance: Autosomal recessive inheritance.
Comment: The c.401T>A (p.Ile134Asn) is a missense variant in MYO7A predicted to cause a substitution of isoleucine to asparagine at amino acid 134. The filtering allele frequency (the lower threshold of the 95% CI of 60/1179894) of this variant is 0.004019% in the European (non-Finnish) population which meets the threshold (≤0.00007, 0.007%) defined by the ClinGen Hearing Loss Expert Panel for PM2_Supporting for autosomal recessive Usher syndrome (PM2_Supporting). The REVEL computational prediction tool produced a score of 0.938, which is above the threshold necessary to apply PP3 (PP3). This variant has been detected in 7 probands with Usher syndrome. For 2 of those probands, pathogenic variants (c.19-1G>A and p.Gly214Arg) were observed in trans, and in the other 5 probands, a pathogenic variant was observed with unknown phase (4.5 points, PM3_Very Strong, PMIDs: 25468891, 26969326, 33089500, 37510321, Partners LMM Internal Data ClinVar SCV000059786.6). The variant has been reported to segregate with hearing loss in one affected family member (PP1, Partners LMM Internal Data ClinVar SCV000059786.6). At least one patient with this variant displayed features of sensorineural hearing loss and retinitis pigmentosa, which are consistent for Usher syndrome, a condition highly specific for MYO7A (PP4, Partners LMM Internal Data ClinVar SCV000059786.6). In summary, this variant meets criteria to be classified as pathogenic for autosomal recessive Usher syndrome based on the ACMG/AMP criteria applied as specified by the ClinGen Hearing Loss Expert Panel (PM3_Very Strong, PM2_Supporting, PP1, PP3, PP4). (ClinGen Hearing Loss VCEP specifications version 2; 9/18/2024).

PreventionGenetics, part of Exact Sciences
Classification: Pathogenic for MYO7A-related condition. Last evaluated: 2026-03-09. Review status: criteria provided, single submitter. Criteria: ACMG Guidelines, 2015. Collection method: clinical testing. Allele origin: germline. Not counted in ClinVar's aggregate classification.
Comment: The MYO7A c.401T>A variant is predicted to result in the amino acid substitution p.Ile134Asn. This variant has been reported with a second causative variant in individuals with autosomal recessive Usher syndrome type 1 (see for example: Wafa et al. 2020. PubMed ID: 33089500; Table S3, Sloan-Heggen et al. 2016. PubMed ID: 26969326; Areblom et al. 2023. PubMed ID: 37510321; Table S1, Lin et al. 2024. PubMed ID: 38219857). This variant is reported in 0.0062% of alleles in individuals of European (Non-Finnish) descent in gnomAD. This variant is interpreted as pathogenic by the ClinGen Hearing Loss Expert Group in ClinVar (Variation ID: 43230). This variant is interpreted as pathogenic.

Natera, Inc.
Classification: Pathogenic for Usher syndrome type 1B. Last evaluated: 2025-12-29. Review status: criteria provided, single submitter. Criteria: Natera Variant Classification Schema (03/2026). Collection method: clinical testing. Allele origin: germline. Not counted in ClinVar's aggregate classification.
Comment: The c.401T>A variant in MYO7A is a missense variant predicted to cause substitution of isoleucine to asparagine at amino acid 134. This variant is rare in the general population with a frequency below the threshold expected for the associated phenotype(s). This variant has been observed in one or more individuals affected with the associated recessive disease, as either homozygous or compound heterozygous with a second variant (PMID: 33089500, 26969326). Computational prediction algorithms indicate this variant is likely to affect gene or protein function. Given the available evidence, this variant is classified as Pathogenic.

Labcorp Genetics (formerly Invitae), Labcorp
Classification: Pathogenic. Last evaluated: 2025-12-20. Review status: criteria provided, single submitter. Criteria: Invitae Variant Classification Sherloc (09022015). Collection method: clinical testing. Allele origin: germline. Not counted in ClinVar's aggregate classification.
Comment: This sequence change replaces isoleucine, which is neutral and non-polar, with asparagine, which is neutral and polar, at codon 134 of the MYO7A protein (p.Ile134Asn). This variant is present in population databases (rs111033181, gnomAD 0.006%). This missense change has been observed in individuals with autosomal recessive Usher syndrome (PMID: 25468891, 26969326; internal data). ClinVar contains an entry for this variant (Variation ID: 43230). Invitae Evidence Modeling of protein sequence and biophysical properties (such as structural, functional, and spatial information, amino acid conservation, physicochemical variation, residue mobility, and thermodynamic stability) indicates that this missense variant is expected to disrupt MYO7A protein function with a positive predictive value of 95%. For these reasons, this variant has been classified as Pathogenic.

Blueprint Genetics
Classification: Pathogenic for MYO7A-related disorders. Last evaluated: 2024-11-20. Review status: criteria provided, single submitter. Criteria: ACMG Guidelines, 2015. Collection method: clinical testing. Allele origin: germline. Affected: yes. Observed: 5 variant alleles. Not counted in ClinVar's aggregate classification.

Fulgent Genetics
Classification: Likely pathogenic for Usher syndrome type 1; Autosomal recessive nonsyndromic hearing loss 2; Autosomal dominant nonsyndromic hearing loss 11. Last evaluated: 2024-02-08. Review status: criteria provided, single submitter. Criteria: ACMG Guidelines, 2015. Collection method: clinical testing. Allele origin: germline. Not counted in ClinVar's aggregate classification.

GeneDx
Classification: Likely pathogenic. Last evaluated: 2023-03-08. Review status: criteria provided, single submitter. Criteria: GeneDx Variant Classification Process June 2021. Collection method: clinical testing. Allele origin: germline. Affected: yes. Not counted in ClinVar's aggregate classification.
Comment: Observed in multiple unrelated patients with Usher syndrome referred for genetic testing at GeneDx and in published literature (Sloan-Heggen et al., 2016; Wafa et al., 2021); In silico analysis supports that this missense variant has a deleterious effect on protein structure/function; This variant is associated with the following publications: (PMID: 10930322, 10094549, 26969326, 33089500, 26582918)

Illumina Laboratory Services, Illumina
Classification: Uncertain significance for MYO7A-Related Disorders. Last evaluated: 2019-11-01. Review status: criteria provided, single submitter. Criteria: ICSLVariantClassificationCriteria RUGD 01 April 2020. Collection method: clinical testing. Allele origin: unknown. Not counted in ClinVar's aggregate classification.
Comment: The MYO7A c.401T>A (p.Ile134Asn) variant is a missense variant which has been reported in two studies in which it has been identified in a compound heterozygous state in two patients with Usher syndrome (Bujakowska et al. 2014; Sloan-Heggen et al. 2016). The p.Ile134Asn variant is reported at a frequency of 0.000062 in the European (non-Finnish) population of the Genome Aggregation Database in a region of good sequence coverage, suggesting that it is a rare variant. The p.Ile134Asn variant is highly conserved through evolution, and in silico tools predict the variant to be damaging for the protein function. Functional studies for the variant were not performed. Based on the limited evidence and application of the ACMG criteria, the p.Ile134Asn variant is classified as a variant of unknown significance for MYO7A-related disorders.

Laboratory for Molecular Medicine, Mass General Brigham Personalized Medicine
Classification: Likely pathogenic for Rare genetic deafness. Last evaluated: 2011-03-25. Review status: criteria provided, single submitter. Criteria: LMM Criteria. Collection method: clinical testing. Allele origin: germline. Inheritance: Autosomal recessive inheritance. Observed: 4 variant alleles. Not counted in ClinVar's aggregate classification.
Comment: The Ile134Asn variant in MYO7A has been reported in one proband with Usher syndr ome Type I and was absent in 172 control chromosomes (Bharadwaj 2000). In addition, this residue is highly conserved ac ross species and computational analyses (biochemical amino acid properties, homo logy, PolyPhen2, SIFT) suggest that the variant may impact the protein. In summa ry, this data suggests this variant is likely pathogenic.

Counsyl
Classification: Likely pathogenic for Usher syndrome type 1; Autosomal recessive nonsyndromic hearing loss 2. Last evaluated: 2018-03-23. Review status: no assertion criteria provided. Collection method: clinical testing. Allele origin: unknown. Not counted in ClinVar's aggregate classification.

Literature cited by the submitters: PubMed 33089500 (cited by Natera, Inc.); PubMed 26969326 (cited by 4 submitters); PubMed 25468891 (cited by 3 submitters); PubMed 10930322 (cited by Laboratory for Molecular Medicine, Mass General Brigham Personalized Medicine and Counsyl).